The following is an entry in ClinVar:

ClinVar aggregate classification (germline): Pathogenic (1 of 4 stars; one submission).

Submission:

Labcorp Genetics (formerly Invitae), Labcorp
Classification: Pathogenic. Last evaluated: 2023-12-06. Review status: criteria provided, single submitter. Criteria: Invitae Variant Classification Sherloc (09022015). Collection method: clinical testing. Allele origin: germline.
Comment: This sequence change creates a premature translational stop signal (p.Arg1756Profs*10) in the SPTB gene. It is expected to result in an absent or disrupted protein product. Loss-of-function variants in SPTB are known to be pathogenic (PMID: 1391962, 1498324, 8844207, 26830532, 27292444). This variant is not present in population databases (gnomAD no frequency). This variant has not been reported in the literature in individuals affected with SPTB-related conditions. For these reasons, this variant has been classified as Pathogenic.

Literature cited by the submitters: PubMed 1391962; PubMed 1498324; PubMed 8844207; PubMed 26830532; PubMed 27292444.

NM_001355436.2(SPTB):c.5267_5297del (p.Arg1756fs)

Gene: SPTB (spectrin beta, erythrocytic; minus strand). Cytogenetic location: 14q23.3.
Variant type: Deletion.
Coding change: c.5267_5297del on transcript NM_001355436.2 (MANE Select); coding-DNA positions 5267 to 5297, 31 bases deleted.
Protein change: p.Arg1756fs; shifts the reading frame from arginine 1756.
Molecular consequence: frameshift variant.
Genome position (GRCh38, 1-based): chr14:64,772,836-64,772,866, 31 bases deleted; deleting any 31 consecutive bases within chr14:64,772,836-64,772,868 gives the same sequence; the c. name uses the placement nearest the transcript's 3' end. GRCh37 (hg19): chr14:65,239,556-65,239,586.
Other names: c.5267_5297del, p.Arg1756fs (NM_001024858.4, NM_001355437.2); short protein forms R1756fs.
Identifiers: ClinVar variation 2768388 (VCV002768388.3), dbSNP rs2503057247, ClinGen allele CA2697553946.
Genomic context (GRCh38, chr14:64,772,835, plus strand): 5'-AATGAGCTCCAGGAGGTCTGCCCACATCTCGTTCAGCCCGTCCTTCCACTCGGCGATGGT[GGCCGCCTCGCTGTGGCCCGCGTCGATGAGTC>G]GCTCGATGAAGGCATTCACATTGTCCACCCGCTCCTGCCCAATCGCCCCGGTCTCCCGGG-3'